The following is an entry in ClinVar:

NM_000046.5(ARSB):c.*2243A>G

Gene: ARSB (arylsulfatase B; minus strand). Cytogenetic location: 5q14.1.
Variant type: single nucleotide variant.
Coding change: c.*2243A>G on transcript NM_000046.5 (MANE Select); 2243 bases downstream of the stop codon, A replaced by G.
Molecular consequence: 3 prime UTR variant.
Genome position (GRCh38, 1-based): chr5:78,778,154, T>C on the plus strand (A>G on the coding strand, the complement: ARSB is on the minus strand). VCF-style: chr5-78778154-T-C. GRCh37 (hg19) VCF-style: chr5-78073977-T-C.
Identifiers: ClinVar variation 354272 (VCV000354272.5), dbSNP rs145585943, ClinGen allele CA10620819.

ClinVar aggregate classification (germline): Likely benign (1 of 4 stars; one submission).

Conditions:
Mucopolysaccharidosis type 6 (MPS6). Also called: ARSB DEFICIENCY; ARYLSULFATASE B DEFICIENCY; MPS VI; N-ACETYLGALACTOSAMINE-4-SULFATASE DEFICIENCY; MPS 6; Maroteaux Lamy syndrome. Identifiers: Orphanet 583, MedGen C0026709, MONDO:0009661, OMIM 253200.

Allele frequency attached by ClinVar (database versions not stated): gnomAD 0.00069 and 0.00084; TOPMed 0.00131; 1000 Genomes Project 30x 0.00297; 1000 Genomes Project 0.00300.

Submission:

Illumina Laboratory Services, Illumina
Classification: Likely benign for Mucopolysaccharidosis type 6. Last evaluated: 2018-01-13. Review status: criteria provided, single submitter. Criteria: ICSL Variant Classification Criteria 13 December 2019. Collection method: clinical testing. Allele origin: germline.
Comment: This variant was observed in the ICSL laboratory as part of a predisposition screen in an ostensibly healthy population. It had not been previously curated by ICSL or reported in the Human Gene Mutation Database (HGMD: prior to June 1st, 2018), and was therefore a candidate for classification through an automated scoring system. Utilizing variant allele frequency, disease prevalence and penetrance estimates, and inheritance mode, an automated score was calculated to assess if this variant is too frequent to cause the disease. Based on the score and internal cut-off values, a variant classified as likely benign is not then subjected to further curation. The score for this variant resulted in a classification of likely benign for this disease.